The following is an entry in ClinVar:

NM_001197104.2(KMT2A):c.1433G>A (p.Arg478Gln)

Gene: KMT2A (lysine methyltransferase 2A; plus strand). Cytogenetic location: 11q23.3.
Variant type: single nucleotide variant.
Coding change: c.1433G>A on transcript NM_001197104.2 (MANE Select); coding-DNA position 1433, G replaced by A.
Protein change: p.Arg478Gln; replaces arginine 478 with glutamine.
Molecular consequence: missense variant.
Genome position (GRCh38, 1-based): chr11:118,472,592, G>A. VCF-style: chr11-118472592-G-A. GRCh37 (hg19) VCF-style: chr11-118343307-G-A.
Other names: c.1433G>A, p.Arg478Gln (NM_005933.4); short protein forms R478Q.
Identifiers: ClinVar variation 561043 (VCV000561043.4), dbSNP rs782711809, ClinGen allele CA382810104.

ClinVar aggregate classification (germline): Uncertain significance. Review status: criteria provided, multiple submitters, no conflicts (2 of 4 stars). 3 submissions from 3 submitters: Uncertain significance (3). Last evaluated 2025-12-04.

Conditions:
Wiedemann-Steiner syndrome (WDSTS). Also called: Growth deficiency and mental retardation with facial dysmorphism. Identifiers: Orphanet 319182, MedGen C1854630, MONDO:0011518, OMIM 605130.

Submissions (3):

Labcorp Genetics (formerly Invitae), Labcorp
Classification: Uncertain significance. Last evaluated: 2025-12-04. Review status: criteria provided, single submitter. Criteria: Invitae Variant Classification Sherloc (09022015). Collection method: clinical testing. Allele origin: germline.
Comment: This sequence change replaces arginine, which is basic and polar, with glutamine, which is neutral and polar, at codon 478 of the KMT2A protein (p.Arg478Gln). This variant is not present in population databases (gnomAD no frequency). This variant has not been reported in the literature in individuals affected with KMT2A-related conditions. ClinVar contains an entry for this variant (Variation ID: 561043). Invitae Evidence Modeling of protein sequence and biophysical properties (such as structural, functional, and spatial information, amino acid conservation, physicochemical variation, residue mobility, and thermodynamic stability) has been performed for this missense variant. However, the output from this modeling did not meet the statistical confidence thresholds required to predict the impact of this variant on KMT2A protein function. In summary, the available evidence is currently insufficient to determine the role of this variant in disease. Therefore, it has been classified as a Variant of Uncertain Significance.

GeneDx
Classification: Uncertain significance. Last evaluated: 2024-03-01. Review status: criteria provided, single submitter. Criteria: GeneDx Variant Classification Process June 2021. Collection method: clinical testing. Allele origin: germline. Affected: yes.
Comment: Not observed at significant frequency in large population cohorts (gnomAD); In silico analysis supports that this missense variant does not alter protein structure/function; Has not been previously published as pathogenic or benign to our knowledge; This variant is associated with the following publications: (PMID: 25326635, 35727845)

Baylor Genetics
Classification: Uncertain significance for Wiedemann-Steiner syndrome. Last evaluated: 2017-09-01. Review status: criteria provided, single submitter. Criteria: ACMG Guidelines, 2015. Collection method: clinical testing. Allele origin: de novo. Inheritance: Autosomal dominant inheritance. Affected: yes.

Literature cited by the submitters: PubMed 25326635 (cited by Baylor Genetics).